The following is an entry in ClinVar:

ClinVar aggregate classification (germline): Uncertain significance (1 of 4 stars; one submission).

Conditions:
Episodic ataxia type 1 (EA1). Also called: ATAXIA, EPISODIC, WITH MYOKYMIA; MYOKYMIA WITH PERIODIC ATAXIA; PAROXYSMAL ATAXIA WITH NEUROMYOTONIA, HEREDITARY; Episodic ataxia/myokymia syndrome. Identifiers: Orphanet 37612, Orphanet 972, MedGen C1719788, MONDO:0008047, OMIM 160120.

Submission:

Labcorp Genetics (formerly Invitae), Labcorp
Classification: Uncertain significance for Episodic ataxia type 1. Last evaluated: 2022-03-25. Review status: criteria provided, single submitter. Criteria: Invitae Variant Classification Sherloc (09022015). Collection method: clinical testing. Allele origin: germline.
Comment: This variant is not present in population databases (gnomAD no frequency). This sequence change replaces glutamine, which is neutral and polar, with arginine, which is basic and polar, at codon 426 of the KCNA1 protein (p.Gln426Arg). In summary, the available evidence is currently insufficient to determine the role of this variant in disease. Therefore, it has been classified as a Variant of Uncertain Significance. Advanced modeling of protein sequence and biophysical properties (such as structural, functional, and spatial information, amino acid conservation, physicochemical variation, residue mobility, and thermodynamic stability) performed at Invitae indicates that this missense variant is not expected to disrupt KCNA1 protein function. This variant has not been reported in the literature in individuals affected with KCNA1-related conditions.

NM_000217.3(KCNA1):c.1277A>G (p.Gln426Arg)

Gene: KCNA1 (potassium voltage-gated channel subfamily A member 1; plus strand). Cytogenetic location: 12p13.32.
Variant type: single nucleotide variant.
Coding change: c.1277A>G on transcript NM_000217.3 (MANE Select); coding-DNA position 1277, A replaced by G.
Protein change: p.Gln426Arg; replaces glutamine 426 with arginine.
Molecular consequence: missense variant.
Genome position (GRCh38, 1-based): chr12:4,912,655, A>G. VCF-style: chr12-4912655-A-G. GRCh37 (hg19) VCF-style: chr12-5021821-A-G.
Other names: short protein forms Q426R.
Identifiers: ClinVar variation 2116808 (VCV002116808.4), dbSNP rs2497354086, ClinGen allele CA383456427.
Genomic context (GRCh38, chr12:4,912,655, plus strand): 5'-TCATTGTGTCCAATTTCAACTATTTCTACCACCGAGAAACTGAGGGGGAAGAGCAGGCTC[A>G]GTTGCTCCACGTCAGTTCCCCTAACTTAGCCTCTGACAGTGACCTCAGTCGCCGCAGTTC-3'
Protein context (NP_000208.2, residues 416-436): HRETEGEEQA[Gln426Arg]LLHVSSPNLA